The following is an entry in ClinVar:

NM_000264.5(PTCH1):c.2446C>T (p.Gln816Ter)

Genes: PTCH1 (patched 1; minus strand), LOC100507346 (uncharacterized LOC100507346; plus strand). Cytogenetic location: 9q22.32.
Variant type: single nucleotide variant.
Coding change: c.2446C>T on transcript NM_000264.5 (MANE Select); coding-DNA position 2446, C replaced by T.
Protein change: p.Gln816Ter; replaces glutamine 816 with a stop codon.
Molecular consequence: nonsense. On other transcripts: non-coding transcript variant (1).
Genome position (GRCh38, 1-based): chr9:95,467,230, G>A on the plus strand (C>T on the coding strand, the complement: PTCH1 is on the minus strand). VCF-style: chr9-95467230-G-A. GRCh37 (hg19) VCF-style: chr9-98229512-G-A.
Other names: c.2248C>T, p.Gln750Ter (NM_001083602.3); c.2443C>T, p.Gln815Ter (NM_001083603.3); c.1993C>T, p.Gln665Ter (NM_001083604.3, NM_001083605.3, NM_001083606.3 and 1 more transcripts); c.2290C>T, p.Gln764Ter (NM_001354918.2); short protein forms Q750*, Q764*, Q665*, Q815*, Q816*.
Identifiers: ClinVar variation 2735288 (VCV002735288.3), dbSNP rs2117957845, ClinGen allele CA374114146.

ClinVar aggregate classification (germline): Pathogenic (1 of 4 stars; one submission).

Conditions:
Gorlin syndrome. Also called: Basal cell nevus syndrome; Nevoid Basal Cell Carcinoma Syndrome. Identifiers: Orphanet 377, MedGen C0004779, MONDO:0007187.

Submission:

Labcorp Genetics (formerly Invitae), Labcorp
Classification: Pathogenic for Gorlin syndrome. Last evaluated: 2023-09-11. Review status: criteria provided, single submitter. Criteria: Invitae Variant Classification Sherloc (09022015). Collection method: clinical testing. Allele origin: germline.
Comment: For these reasons, this variant has been classified as Pathogenic. This premature translational stop signal has been observed in individual(s) with basal cell nevus syndrome (PMID: 19618880, 29575684). This variant is not present in population databases (gnomAD no frequency). This sequence change creates a premature translational stop signal (p.Gln816*) in the PTCH1 gene. It is expected to result in an absent or disrupted protein product. Loss-of-function variants in PTCH1 are known to be pathogenic (PMID: 16301862, 16419085).

Literature cited by the submitters: PubMed 19618880; PubMed 29575684; PubMed 16301862; PubMed 16419085.